The following is an entry in ClinVar:

ClinVar aggregate classification (germline): Uncertain significance (1 of 4 stars; one submission).

Conditions:
Tuberous sclerosis 2 (TSC2). Identifiers: Orphanet 805, MedGen C1860707, MONDO:0013199, OMIM 613254.

Submission:

Labcorp Genetics (formerly Invitae), Labcorp
Classification: Uncertain significance for Tuberous sclerosis 2. Last evaluated: 2022-08-16. Review status: criteria provided, single submitter. Criteria: Invitae Variant Classification Sherloc (09022015). Collection method: clinical testing. Allele origin: germline.
Comment: This sequence change replaces phenylalanine, which is neutral and non-polar, with valine, which is neutral and non-polar, at codon 690 of the TSC2 protein (p.Phe690Val). This variant is not present in population databases (gnomAD no frequency). This variant has not been reported in the literature in individuals affected with TSC2-related conditions. Advanced modeling of protein sequence and biophysical properties (such as structural, functional, and spatial information, amino acid conservation, physicochemical variation, residue mobility, and thermodynamic stability) performed at Invitae indicates that this missense variant is not expected to disrupt TSC2 protein function. In summary, the available evidence is currently insufficient to determine the role of this variant in disease. Therefore, it has been classified as a Variant of Uncertain Significance.

NM_000548.5(TSC2):c.2068T>G (p.Phe690Val)

Gene: TSC2 (TSC complex subunit 2; plus strand). Cytogenetic location: 16p13.3.
Variant type: single nucleotide variant.
Coding change: c.2068T>G on transcript NM_000548.5 (MANE Select); coding-DNA position 2068, T replaced by G.
Protein change: p.Phe690Val; replaces phenylalanine 690 with valine.
Molecular consequence: missense variant.
Genome position (GRCh38, 1-based): chr16:2,071,905, T>G. VCF-style: chr16-2071905-T-G. GRCh37 (hg19) VCF-style: chr16-2121906-T-G.
Other names: c.2068T>G, p.Phe690Val (NM_001077183.3, NM_001114382.3, NM_001363528.2 and 6 more transcripts); c.1957T>G, p.Phe653Val (NM_001318827.2, NM_001406670.1, NM_001406678.1); c.1921T>G, p.Phe641Val (NM_001318829.2, NM_001406675.1, NM_001406676.1 and 1 more transcripts); c.1468T>G, p.Phe490Val (NM_001318831.2, NM_001406680.1, NM_001406685.1 and 6 more transcripts); c.2101T>G, p.Phe701Val (NM_001318832.2); c.2158T>G, p.Phe720Val (NM_001406667.1, NM_001406668.1); c.2056T>G, p.Phe686Val (NM_001406671.1, NM_001406673.1); c.2011T>G, p.Phe671Val (NM_001406677.1); and 3 more; short protein forms F156V, F242V, F490V, F536V, F641V, F653V, F671V, F686V.
Identifiers: ClinVar variation 1716576 (VCV001716576.5), dbSNP rs2151307978, ClinGen allele CA394274663.